The following is an entry in ClinVar:

ClinVar aggregate classification (germline): Uncertain significance (1 of 4 stars; one submission).

gnomAD v4.1: 1 of 1,613,702 alleles (0.000062%); highest among the groups gnomAD compares: African/African-American, 0.0013%; no homozygotes.

Submission:

Dasa
Classification: Uncertain significance. Last evaluated: 2024-12-04. Review status: criteria provided, single submitter. Criteria: DASA Assertion Criteria. Collection method: clinical testing. Allele origin: germline.
Comment: NM_024757.5(EHMT1):c.1036A>G (p.Met346Val) is a missense variant that results in the substitution of methionine with valine. This variant is rare in population databases. Computational prediction algorithms are consistent with a benign effect. The currently available literature and clinical evidence are not sufficient to establish a definitive association between this variant and the reported condition. Therefore, this variant is classified as a variant of uncertain significance.

NM_024757.5(EHMT1):c.1036A>G (p.Met346Val)

Gene: EHMT1 (euchromatic histone lysine methyltransferase 1; plus strand). Cytogenetic location: 9q34.3.
Variant type: single nucleotide variant.
Coding change: c.1036A>G on transcript NM_024757.5 (MANE Select); coding-DNA position 1036, A replaced by G.
Protein change: p.Met346Val; replaces methionine 346 with valine.
Molecular consequence: missense variant.
Genome position (GRCh38, 1-based): chr9:137,743,956, A>G. VCF-style: chr9-137743956-A-G. GRCh37 (hg19) VCF-style: chr9-140638408-A-G.
Other names: c.1036A>G, p.Met346Val (NM_001354611.2, NM_001145527.2); c.943A>G, p.Met315Val (NM_001354612.2, NM_001354259.2); c.1015A>G, p.Met339Val (NM_001354263.2); short protein forms M315V, M339V, M346V.
Identifiers: ClinVar variation 4881528 (VCV004881528.2).